The following is an entry in ClinVar:

ClinVar aggregate classification (germline): Uncertain significance. Review status: criteria provided, multiple submitters, no conflicts (2 of 4 stars). 2 submissions from 2 submitters: Uncertain significance (2). Last evaluated 2025-04-25.

Conditions:
Inborn genetic diseases. Identifiers: MedGen C0950123, MeSH D030342.

Allele frequency attached by ClinVar (database versions not stated): gnomAD 0.00003; TOPMed 0.00002; ExAC 0.00003.
gnomAD v4.1: 29 of 1,614,078 alleles (0.0018%); highest among the groups gnomAD compares: Middle Eastern, 0.016%; no homozygotes.

Submissions (2):

Ambry Genetics
Classification: Uncertain significance for Inborn genetic diseases. Last evaluated: 2025-04-25. Review status: criteria provided, single submitter. Criteria: Ambry Variant Classification Scheme 2023. Collection method: clinical testing. Allele origin: germline.

Labcorp Genetics (formerly Invitae), Labcorp
Classification: Uncertain significance. Last evaluated: 2022-07-19. Review status: criteria provided, single submitter. Criteria: Invitae Variant Classification Sherloc (09022015). Collection method: clinical testing. Allele origin: germline.
Comment: This sequence change replaces arginine, which is basic and polar, with histidine, which is basic and polar, at codon 255 of the TANGO2 protein (p.Arg255His). This variant is present in population databases (rs779649627, gnomAD 0.03%). This variant has not been reported in the literature in individuals affected with TANGO2-related conditions. Algorithms developed to predict the effect of missense changes on protein structure and function are either unavailable or do not agree on the potential impact of this missense change (SIFT: "Not Available"; PolyPhen-2: "Possibly Damaging"; Align-GVGD: "Not Available"). In summary, the available evidence is currently insufficient to determine the role of this variant in disease. Therefore, it has been classified as a Variant of Uncertain Significance.

NM_152906.7(TANGO2):c.764G>A (p.Arg255His)

Gene: TANGO2 (transport and golgi organization 2 homolog; plus strand). Cytogenetic location: 22q11.21.
Variant type: single nucleotide variant.
Coding change: c.764G>A on transcript NM_152906.7 (MANE Select); coding-DNA position 764, G replaced by A.
Protein change: p.Arg255His; replaces arginine 255 with histidine.
Molecular consequence: missense variant. On other transcripts: 3 prime UTR variant (7), non-coding transcript variant (5).
Genome position (GRCh38, 1-based): chr22:20,064,595, G>A. VCF-style: chr22-20064595-G-A. GRCh37 (hg19) VCF-style: chr22-20052118-G-A.
Other names: c.764G>A, p.Arg255His (NM_001283106.3, NM_001283116.3); c.887G>A, p.Arg296His (NM_001283129.3, NM_001322143.2); c.*3G>A (NM_001283148.3, NM_001283154.3, NM_001322144.2 and 2 more transcripts); c.578G>A, p.Arg193His (NM_001283179.3, NM_001283186.3, NM_001322163.2 and 2 more transcripts); c.539G>A, p.Arg180His (NM_001283199.3); c.*31G>A (NM_001283215.3); c.470G>A, p.Arg157His (NM_001283235.3, NM_001322171.2, NM_001322172.2 and 3 more transcripts); c.*100G>A (NM_001283248.3); and 7 more; short protein forms R209H, R221H, R234H, R307H, R157H, R180H, R193H, R255H.
Identifiers: ClinVar variation 1939540 (VCV001939540.3), dbSNP rs779649627, ClinGen allele CA10106577.